The following is an entry in ClinVar:

NM_003482.4(KMT2D):c.11162TGCAGC[3] (p.3721LQ[3])

Gene: KMT2D (lysine methyltransferase 2D; minus strand). Cytogenetic location: 12q13.12.
Variant type: Microsatellite.
Coding change: c.11162TGCAGC[3] on transcript NM_003482.4 (MANE Select); three copies in a row of the 6-base unit TGCAGC starting at c.11162; the reference has two copies in a row; one copy, 6 bases duplicated.
Protein change: p.3721LQ[3].
Molecular consequence: inframe insertion.
Genome position (GRCh38, 1-based): chr12:49,033,532-49,033,537, GCTGCA duplicated on the plus strand (TGCAGC on the coding strand, the reverse complement: KMT2D is on the minus strand); duplicating any 6 consecutive bases within chr12:49,033,532-49,033,548 gives the same sequence; the position shown is the placement nearest the transcript's 3' end. VCF-style (leftmost placement, unchanged base first): chr12-49033531-T-TGCTGCA. GRCh37 (hg19) VCF-style: chr12-49427314-T-TGCTGCA.
Other names: c.11168_11173dupTGCAGC (NM_003482.3).
Identifiers: ClinVar variation 309032 (VCV000309032.20), dbSNP rs771711980, ClinGen allele CA6546354.

ClinVar aggregate classification (germline): Conflicting classifications of pathogenicity. Review status: criteria provided, conflicting classifications (1 of 4 stars). 5 submissions from 5 submitters: Uncertain significance (1); Likely benign (3). 1 of the submissions does not count toward it. Last evaluated 2026-03-01.

Conditions:
Kabuki syndrome. Also called: NIIKAWA-KUROKI SYNDROME; Kabuki make-up syndrome. Identifiers: Orphanet 2322, MedGen C0796004, MONDO:0016512.
KMT2D-related disorder. Also called: KMT2D-Related Disorders.

Submissions (5):

CeGaT Center for Human Genetics Tuebingen
Classification: Likely benign. Last evaluated: 2026-03-01. Review status: criteria provided, single submitter. Criteria: CeGaT Center For Human Genetics Tuebingen Variant Classification Criteria Version 2. Collection method: clinical testing. Allele origin: germline. Affected: yes. Observed: 1 variant allele.
Comment: KMT2D: BP3, BS2

Labcorp Genetics (formerly Invitae), Labcorp
Classification: Likely benign for Kabuki syndrome. Last evaluated: 2025-12-23. Review status: criteria provided, single submitter. Criteria: Invitae Variant Classification Sherloc (09022015). Collection method: clinical testing. Allele origin: germline.

GeneDx
Classification: Uncertain significance. Last evaluated: 2025-09-22. Review status: criteria provided, single submitter. Criteria: GeneDx Variant Classification Process June 2021. Collection method: clinical testing. Allele origin: germline. Affected: yes.
Comment: In-frame duplication of 2 amino acids in a non-repeat region; Has not been previously published as pathogenic or benign to our knowledge

Blueprint Genetics
Classification: Likely benign. Last evaluated: 2024-11-26. Review status: criteria provided, single submitter. Criteria: ACMG Guidelines, 2015. Collection method: clinical testing. Allele origin: germline.

PreventionGenetics, part of Exact Sciences
Classification: Likely benign for KMT2D-related condition. Last evaluated: 2022-08-30. Review status: no assertion criteria provided. Collection method: clinical testing. Allele origin: germline. Not counted in ClinVar's aggregate classification.
Comment: This variant is classified as likely benign based on ACMG/AMP sequence variant interpretation guidelines (Richards et al. 2015 PMID: 25741868, with internal and published modifications).